The following is an entry in ClinVar:

ClinVar aggregate classification (germline): Uncertain significance. Review status: criteria provided, multiple submitters, no conflicts (2 of 4 stars). 2 submissions from 2 submitters: Uncertain significance (2). Last evaluated 2025-10-13.

Conditions:
Hereditary cancer-predisposing syndrome. Also called: Neoplastic Syndromes, Hereditary; Hereditary neoplastic syndrome; Tumor predisposition; Hereditary Cancer Syndrome. Identifiers: Orphanet 140162, MedGen C0027672, MeSH D009386, MONDO:0015356.
Bloom syndrome (BLM). Also called: Bloom-Torre-Machacek syndrome. Identifiers: Orphanet 125, MedGen C0005859, MONDO:0008876, OMIM 210900.

Allele frequency attached by ClinVar (database versions not stated): gnomAD exomes 0.00001.

Submissions (2):

Labcorp Genetics (formerly Invitae), Labcorp
Classification: Uncertain significance for Bloom syndrome. Last evaluated: 2025-10-13. Review status: criteria provided, single submitter. Criteria: Invitae Variant Classification Sherloc (09022015). Collection method: clinical testing. Allele origin: germline.
Comment: This sequence change replaces proline, which is neutral and non-polar, with arginine, which is basic and polar, at codon 109 of the BLM protein (p.Pro109Arg). This variant is not present in population databases (gnomAD no frequency). This variant has not been reported in the literature in individuals affected with BLM-related conditions. ClinVar contains an entry for this variant (Variation ID: 524801). An algorithm developed to predict the effect of missense changes on protein structure and function (PolyPhen-2) suggests that this variant is likely to be tolerated. In summary, the available evidence is currently insufficient to determine the role of this variant in disease. Therefore, it has been classified as a Variant of Uncertain Significance.

Ambry Genetics
Classification: Uncertain significance for Hereditary cancer-predisposing syndrome. Last evaluated: 2025-02-22. Review status: criteria provided, single submitter. Criteria: Ambry Variant Classification Scheme 2023. Collection method: clinical testing. Allele origin: germline.
Comment: The p.P109R variant (also known as c.326C>G), located in coding exon 2 of the BLM gene, results from a C to G substitution at nucleotide position 326. The proline at codon 109 is replaced by arginine, an amino acid with dissimilar properties. This amino acid position is conserved. In addition, this alteration is predicted to be tolerated by in silico analysis. Since supporting evidence is limited at this time, the clinical significance of this alteration remains unclear.

NM_000057.4(BLM):c.326C>G (p.Pro109Arg)

Gene: BLM (BLM RecQ like helicase; plus strand). Cytogenetic location: 15q26.1.
Variant type: single nucleotide variant.
Coding change: c.326C>G on transcript NM_000057.4 (MANE Select); coding-DNA position 326, C replaced by G.
Protein change: p.Pro109Arg; replaces proline 109 with arginine.
Molecular consequence: missense variant. On other transcripts: 5 prime UTR variant (1).
Genome position (GRCh38, 1-based): chr15:90,749,594, C>G. VCF-style: chr15-90749594-C-G. GRCh37 (hg19) VCF-style: chr15-91292824-C-G.
Other names: c.326C>G, p.Pro109Arg (NM_001287246.2, NM_001287247.2); c.-966C>G (NM_001287248.2); short protein forms P109R.
Identifiers: ClinVar variation 524801 (VCV000524801.12), dbSNP rs1555418317, ClinGen allele CA393840289.